The following is an entry in ClinVar:

ClinVar aggregate classification (germline): Uncertain significance (1 of 4 stars; one submission).

Allele frequency attached by ClinVar (database versions not stated): gnomAD exomes below 0.00001; gnomAD 0.00001; TOPMed 0.00001; ExAC 0.00002; 1000 Genomes Project 30x 0.00016; 1000 Genomes Project 0.00020.
gnomAD v4.1: 5 of 1,513,690 alleles (0.00033%); highest among the groups gnomAD compares: Middle Eastern, 0.018%; no homozygotes.

Submission:

Labcorp Genetics (formerly Invitae), Labcorp
Classification: Uncertain significance. Last evaluated: 2023-11-06. Review status: criteria provided, single submitter. Criteria: Invitae Variant Classification Sherloc (09022015). Collection method: clinical testing. Allele origin: germline.
Comment: This sequence change replaces cysteine, which is neutral and slightly polar, with arginine, which is basic and polar, at codon 41 of the NR0B2 protein (p.Cys41Arg). This variant is present in population databases (rs569477682, gnomAD 0.007%). This variant has not been reported in the literature in individuals affected with NR0B2-related conditions. Advanced modeling of protein sequence and biophysical properties (such as structural, functional, and spatial information, amino acid conservation, physicochemical variation, residue mobility, and thermodynamic stability) performed at Invitae indicates that this missense variant is not expected to disrupt NR0B2 protein function with a negative predictive value of 80%. In summary, the available evidence is currently insufficient to determine the role of this variant in disease. Therefore, it has been classified as a Variant of Uncertain Significance.

NM_021969.3(NR0B2):c.121T>C (p.Cys41Arg)

Genes: NR0B2 (nuclear receptor subfamily 0 group B member 2; minus strand), NUDC (nuclear distribution C, dynein complex regulator; plus strand). Cytogenetic location: 1p36.11.
Variant type: single nucleotide variant.
Coding change: c.121T>C on transcript NM_021969.3 (MANE Select); coding-DNA position 121, T replaced by C.
Protein change: p.Cys41Arg; replaces cysteine 41 with arginine.
Molecular consequence: missense variant.
Genome position (GRCh38, 1-based): chr1:26,913,820, A>G on the plus strand (T>C on the coding strand, the complement: NR0B2 is on the minus strand). VCF-style: chr1-26913820-A-G. GRCh37 (hg19) VCF-style: chr1-27240311-A-G.
Other names: short protein forms C41R.
Identifiers: ClinVar variation 3011133 (VCV003011133.3), dbSNP rs569477682, ClinGen allele CA709725.
Genomic context (GRCh38, chr1:26,913,820, plus strand): 5'-CCAAGGCCTCCCGGCAGGTGCGATGAGGTGCACATAGCTGGACGGGCCGGTGCTGCCTAC[A>G]TAGGCAGCGGCTACGGGGTCGGGGGACAGCCTTGAGGCTGGAGCTCAGAAGTGCGTAGAG-3'
Protein context (NP_068804.1, residues 31-51): AVPRPRSRCL[Cys41Arg]RQHRPVQLCA